The following is an entry in ClinVar:

NM_000079.4(CHRNA1):c.844G>T (p.Glu282Ter)

Gene: CHRNA1 (cholinergic receptor nicotinic alpha 1 subunit; minus strand). Cytogenetic location: 2q31.1.
Variant type: single nucleotide variant.
Coding change: c.844G>T on transcript NM_000079.4 (MANE Select); coding-DNA position 844, G replaced by T.
Protein change: p.Glu282Ter; replaces glutamic acid 282 with a stop codon.
Molecular consequence: nonsense.
Genome position (GRCh38, 1-based): chr2:174,750,104, C>A on the plus strand (G>T on the coding strand, the complement: CHRNA1 is on the minus strand). VCF-style: chr2-174750104-C-A. GRCh37 (hg19) VCF-style: chr2-175614832-C-A.
Other names: c.919G>T, p.Glu307Ter (NM_001039523.3); short protein forms E307*, E282*.
Identifiers: ClinVar variation 956393 (VCV000956393.7), dbSNP rs1208011631, ClinGen allele CA349336791.

ClinVar aggregate classification (germline): Pathogenic (1 of 4 stars; one submission).

Conditions:
Lethal multiple pterygium syndrome (LMPS). Identifiers: Orphanet 33108, MedGen C1854678, MONDO:0009668, OMIM 253290.

gnomAD v4.1: 12 of 1,613,866 alleles (0.00074%); highest among the groups gnomAD compares: Non-Finnish European, 0.001%; no homozygotes.

Submission:

Labcorp Genetics (formerly Invitae), Labcorp
Classification: Pathogenic for Lethal multiple pterygium syndrome. Last evaluated: 2024-12-19. Review status: criteria provided, single submitter. Criteria: Invitae Variant Classification Sherloc (09022015). Collection method: clinical testing. Allele origin: germline.
Comment: This sequence change creates a premature translational stop signal (p.Glu282*) in the CHRNA1 gene. It is expected to result in an absent or disrupted protein product. Loss-of-function variants in CHRNA1 are known to be pathogenic (PMID: 14719537, 15907919, 18252226). This variant is not present in population databases (gnomAD no frequency). This variant has not been reported in the literature in individuals affected with CHRNA1-related conditions. ClinVar contains an entry for this variant (Variation ID: 956393). Algorithms developed to predict the effect of sequence changes on RNA splicing suggest that this variant may disrupt the consensus splice site. For these reasons, this variant has been classified as Pathogenic.

Literature cited by the submitters: PubMed 14719537; PubMed 15907919; PubMed 18252226.